The following is an entry in ClinVar:

ClinVar aggregate classification (germline): Uncertain significance (1 of 4 stars; one submission).

Submission:

GeneDx
Classification: Uncertain significance. Last evaluated: 2023-05-10. Review status: criteria provided, single submitter. Criteria: GeneDx Variant Classification Process June 2021. Collection method: clinical testing. Allele origin: germline. Affected: yes.
Comment: Not observed at significant frequency in large population cohorts (gnomAD); Nonsense variant predicted to result in protein truncation or nonsense mediated decay in a gene or region of a gene for which loss of function is not a well-established mechanism of disease; Has not been previously published as pathogenic or benign to our knowledge

NM_001128840.3(CACNA1D):c.346C>T (p.Arg116Ter)

Gene: CACNA1D (calcium voltage-gated channel subunit alpha1 D; plus strand). Cytogenetic location: 3p21.1.
Variant type: single nucleotide variant.
Coding change: c.346C>T on transcript NM_001128840.3 (MANE Select); coding-DNA position 346, C replaced by T.
Protein change: p.Arg116Ter; replaces arginine 116 with a stop codon.
Molecular consequence: nonsense.
Genome position (GRCh38, 1-based): chr3:53,497,430, C>T. VCF-style: chr3-53497430-C-T. GRCh37 (hg19) VCF-style: chr3-53531457-C-T.
Other names: c.346C>T, p.Arg116Ter (NM_000720.4, NM_001128839.3); short protein forms R116*.
Identifiers: ClinVar variation 3343448 (VCV003343448.1).